The following is an entry in ClinVar:

ClinVar aggregate classification (germline): Uncertain significance. Review status: criteria provided, multiple submitters, no conflicts (2 of 4 stars). 2 submissions from 2 submitters: Uncertain significance (2). Last evaluated 2024-07-08.

Submissions (2):

Dasa
Classification: Uncertain significance. Last evaluated: 2024-07-08. Review status: criteria provided, single submitter. Criteria: DASA Assertion Criteria. Collection method: clinical testing. Allele origin: germline.
Comment: NM_173630.4(RTTN):c.5582T>G (p.Val1861Gly) is a missense variant that results in the substitution of valine with glycine. This variant is rare in population databases. Computational prediction algorithms are consistent with a benign effect. The currently available literature and clinical evidence are not sufficient to establish a definitive association between this variant and the reported condition. Therefore, this variant is classified as a variant of uncertain significance.

Labcorp Genetics (formerly Invitae), Labcorp
Classification: Uncertain significance. Last evaluated: 2022-07-11. Review status: criteria provided, single submitter. Criteria: Invitae Variant Classification Sherloc (09022015). Collection method: clinical testing. Allele origin: germline.
Comment: In summary, the available evidence is currently insufficient to determine the role of this variant in disease. Therefore, it has been classified as a Variant of Uncertain Significance. Algorithms developed to predict the effect of missense changes on protein structure and function are either unavailable or do not agree on the potential impact of this missense change (SIFT: "Deleterious"; PolyPhen-2: "Possibly Damaging"; Align-GVGD: "Class C0"). This variant has not been reported in the literature in individuals affected with RTTN-related conditions. This variant is not present in population databases (gnomAD no frequency). This sequence change replaces valine, which is neutral and non-polar, with glycine, which is neutral and non-polar, at codon 1861 of the RTTN protein (p.Val1861Gly).

NM_173630.4(RTTN):c.5582T>G (p.Val1861Gly)

Gene: RTTN (rotatin; minus strand). Cytogenetic location: 18q22.2.
Variant type: single nucleotide variant.
Coding change: c.5582T>G on transcript NM_173630.4 (MANE Select); coding-DNA position 5582, T replaced by G.
Protein change: p.Val1861Gly; replaces valine 1861 with glycine.
Molecular consequence: missense variant.
Genome position (GRCh38, 1-based): chr18:70,030,941, A>C on the plus strand (T>G on the coding strand, the complement: RTTN is on the minus strand). VCF-style: chr18-70030941-A-C. GRCh37 (hg19) VCF-style: chr18-67698177-A-C.
Other names: c.2846T>G, p.Val949Gly (NM_001318520.2); short protein forms V949G, V1861G.
Identifiers: ClinVar variation 1942337 (VCV001942337.5), dbSNP rs1172344741, ClinGen allele CA402687707.